The following is an entry in ClinVar:

NM_015447.4(CAMSAP1):c.198T>G (p.Val66=)

Gene: CAMSAP1 (calmodulin regulated spectrin associated protein 1; minus strand). Cytogenetic location: 9q34.3.
Variant type: single nucleotide variant.
Coding change: c.198T>G on transcript NM_015447.4 (MANE Select); coding-DNA position 198, T replaced by G.
Protein change: p.Val66=; no amino-acid change (valine 66 retained).
Molecular consequence: synonymous variant. On other transcripts: 5 prime UTR variant (1), intron variant (2).
Genome position (GRCh38, 1-based): chr9:135,883,041, A>C on the plus strand (T>G on the coding strand, the complement: CAMSAP1 is on the minus strand). VCF-style: chr9-135883041-A-C. GRCh37 (hg19) VCF-style: chr9-138774887-A-C.
Other names: c.-495T>G (NM_001411031.1); c.198T>G, p.Val66= (NM_001437279.1); c.-12-16505T>G (NM_001437281.1); c.-9-1247T>G (NM_001437280.1).
Identifiers: ClinVar variation 4874789 (VCV004874789.2).
Genomic context (GRCh38, chr9:135,883,041, plus strand): 5'-CTCGCTGGACAGGAGAAGCTTGATAACAGGCGGCTTAATGTGCTCCTGCTCATACTGGTC[A>C]ACGTAGAAAGGGTCTCTGAGGTCCTCAGGGATGTTATCTAAGACAGGGAGGGGATGACCA-3'
Protein context (NP_056262.3, residues 56-76): IPEDLRDPFY[Val66=]DQYEQEHIKP

ClinVar aggregate classification (germline): Likely benign (1 of 4 stars; one submission).

gnomAD v4.1: 5 of 1,551,680 alleles (0.00032%); highest among the groups gnomAD compares: Admixed American, 0.0098%; no homozygotes.

Submission:

CeGaT Center for Human Genetics Tuebingen
Classification: Likely benign. Last evaluated: 2026-04-01. Review status: criteria provided, single submitter. Criteria: CeGaT Center For Human Genetics Tuebingen Variant Classification Criteria Version 2. Collection method: clinical testing. Allele origin: germline. Affected: yes. Observed: 1 variant allele.
Comment: CAMSAP1: BP4, BP7